The following is an entry in ClinVar:

NM_000051.4(ATM):c.2987A>C (p.His996Pro)

Gene: ATM (ATM serine/threonine kinase; plus strand). Cytogenetic location: 11q22.3.
Variant type: single nucleotide variant.
Coding change: c.2987A>C on transcript NM_000051.4 (MANE Select); coding-DNA position 2987, A replaced by C.
Protein change: p.His996Pro; replaces histidine 996 with proline.
Molecular consequence: missense variant.
Genome position (GRCh38, 1-based): chr11:108,271,316, A>C. VCF-style: chr11-108271316-A-C. GRCh37 (hg19) VCF-style: chr11-108142043-A-C.
Other names: c.2987A>C, p.His996Pro (NM_001351834.2); short protein forms H996P.
Identifiers: ClinVar variation 582358 (VCV000582358.6), dbSNP rs876660034, ClinGen allele CA382547338.

ClinVar aggregate classification (germline): Uncertain significance. Review status: criteria provided, multiple submitters, no conflicts (2 of 4 stars). 2 submissions from 2 submitters: Uncertain significance (2). Last evaluated 2024-05-22.

Conditions:
Hereditary cancer-predisposing syndrome. Also called: Neoplastic Syndromes, Hereditary; Hereditary Cancer Syndrome; Tumor predisposition; Hereditary neoplastic syndrome. Identifiers: Orphanet 140162, MedGen C0027672, MeSH D009386, MONDO:0015356.
Ataxia-telangiectasia syndrome (AT). Also called: Ataxia-telangiectasia, complementation group D; AT, COMPLEMENTATION GROUP C; Ataxia-telangiectasia, complementation group E; Cerebello-oculocutaneous telangiectasia; Immunodeficiency with ataxia telangiectasia; ATAXIA-TELANGIECTASIA, COMPLEMENTATION GROUP A. Identifiers: Orphanet 100, MedGen C0004135, MONDO:0008840, OMIM 208900.

Allele frequency attached by ClinVar (database versions not stated): gnomAD exomes below 0.00001.
gnomAD v4.1: 1 of 1,613,242 alleles (0.000062%); highest among the groups gnomAD compares: African/African-American, 0.0013%; no homozygotes.

Submissions (2):

Ambry Genetics
Classification: Uncertain significance for Hereditary cancer-predisposing syndrome. Last evaluated: 2024-05-22. Review status: criteria provided, single submitter. Criteria: Ambry Variant Classification Scheme 2023. Collection method: clinical testing. Allele origin: germline.
Comment: The p.H996P variant (also known as c.2987A>C), located in coding exon 19 of the ATM gene, results from an A to C substitution at nucleotide position 2987. The histidine at codon 996 is replaced by proline, an amino acid with similar properties. This amino acid position is not well conserved in available vertebrate species. In addition, this alteration is predicted to be tolerated by in silico analysis. Based on the available evidence, the clinical significance of this variant remains unclear.

Labcorp Genetics (formerly Invitae), Labcorp
Classification: Uncertain significance for Ataxia-telangiectasia syndrome. Last evaluated: 2023-04-15. Review status: criteria provided, single submitter. Criteria: Invitae Variant Classification Sherloc (09022015). Collection method: clinical testing. Allele origin: germline.
Comment: Algorithms developed to predict the effect of sequence changes on RNA splicing suggest that this variant may create or strengthen a splice site. Algorithms developed to predict the effect of missense changes on protein structure and function output the following: SIFT: "Not Available"; PolyPhen-2: "Benign"; Align-GVGD: "Not Available". The proline amino acid residue is found in multiple mammalian species, which suggests that this missense change does not adversely affect protein function. ClinVar contains an entry for this variant (Variation ID: 582358). This variant has not been reported in the literature in individuals affected with ATM-related conditions. This variant is not present in population databases (gnomAD no frequency). This sequence change replaces histidine, which is basic and polar, with proline, which is neutral and non-polar, at codon 996 of the ATM protein (p.His996Pro). In summary, the available evidence is currently insufficient to determine the role of this variant in disease. Therefore, it has been classified as a Variant of Uncertain Significance.